The following is an entry in ClinVar:

NM_006096.4(NDRG1):c.448G>T (p.Ala150Ser)

Gene: NDRG1 (N-myc downstream regulated 1; minus strand). Cytogenetic location: 8q24.22.
Variant type: single nucleotide variant.
Coding change: c.448G>T on transcript NM_006096.4 (MANE Select); coding-DNA position 448, G replaced by T.
Protein change: p.Ala150Ser; replaces alanine 150 with serine.
Molecular consequence: missense variant.
Genome position (GRCh38, 1-based): chr8:133,258,368, C>A on the plus strand (G>T on the coding strand, the complement: NDRG1 is on the minus strand). VCF-style: chr8-133258368-C-A. GRCh37 (hg19) VCF-style: chr8-134270611-C-A.
Other names: p.Ala150Ser; c.448G>T, p.Ala150Ser (NM_001135242.2, NM_001374844.1, NM_001374845.1 and 1 more transcripts); c.250G>T, p.Ala84Ser (NM_001258432.2, NM_001374847.1); c.205G>T, p.Ala69Ser (NM_001258433.2); short protein forms A69S, A150S, A84S.
Identifiers: ClinVar variation 697254 (VCV000697254.22), dbSNP rs150796527, ClinGen allele CA4886751.

ClinVar aggregate classification (germline): Conflicting classifications of pathogenicity. Review status: criteria provided, conflicting classifications (1 of 4 stars). 9 submissions from 9 submitters: Uncertain significance (5); Likely benign (3). 1 of the submissions does not count toward it. Last evaluated 2026-06-04.

Conditions:
Charcot-Marie-Tooth disease type 4D. Also called: Charcot-Marie-Tooth Neuropathy Type 4D; CHARCOT-MARIE-TOOTH DISEASE, DEMYELINATING, AUTOSOMAL RECESSIVE, TYPE 4D; CHARCOT-MARIE-TOOTH DISEASE, DEMYELINATING, TYPE 4D; NEUROPATHY, HEREDITARY MOTOR AND SENSORY, LOM TYPE. Identifiers: Orphanet 99950, MedGen C1832334, MONDO:0011085, OMIM 601455.
Charcot-Marie-Tooth disease. Also called: Charcot-Marie-Tooth Hereditary Neuropathy; Charcot-Marie-Tooth Neuropathy. Identifiers: Orphanet 166, MedGen C0007959, MONDO:0015626.
Charcot-Marie-Tooth disease type 4. Also called: Charcot-Marie-Tooth disease, type IV; Charcot-Marie-Tooth, Type 4. Identifiers: Orphanet 64749, MedGen C4082197, MONDO:0018995.
NDRG1-related disorder. Also called: NDRG1-related condition.
Inborn genetic diseases. Identifiers: MedGen C0950123, MeSH D030342.

Allele frequency attached by ClinVar (database versions not stated): ExAC 0.00043; 1000 Genomes Project 0.00060; 1000 Genomes Project 30x 0.00078; TOPMed 0.00097; ESP Exome Variant Server 0.00123.
gnomAD v4.1: 247 of 1,611,178 alleles (0.015%); highest among the groups gnomAD compares: African/African-American, 0.3%; no homozygotes.

Submissions (9):

PreventionGenetics, part of Exact Sciences
Classification: Uncertain significance for NDRG1-related condition. Last evaluated: 2026-06-04. Review status: criteria provided, single submitter. Criteria: ACMG Guidelines, 2015. Collection method: clinical testing. Allele origin: germline.
Comment: The NDRG1 c.448G>T variant is predicted to result in the amino acid substitution p.Ala150Ser. This variant has been reported as a variant of uncertain significance in an individual from a large cohort study of Charcot-Marie-Tooth disease; however, additional evidence was not provided (Suppl. Table 2, Volodarsky et al. 2021. PubMed ID: 32376792). This variant is reported in 0.31% of alleles in individuals of African descent in gnomAD. Although we suspect that this variant may be benign, at this time, the clinical significance of this variant is uncertain due to the absence of conclusive functional and genetic evidence.

Labcorp Genetics (formerly Invitae), Labcorp
Classification: Likely benign for Charcot-Marie-Tooth disease type 4. Last evaluated: 2025-10-02. Review status: criteria provided, single submitter. Criteria: Invitae Variant Classification Sherloc (09022015). Collection method: clinical testing. Allele origin: germline.

Mayo Clinic Laboratories, Mayo Clinic
Classification: Uncertain significance. Last evaluated: 2024-09-09. Review status: criteria provided, single submitter. Criteria: ACMG Guidelines, 2015. Collection method: clinical testing. Allele origin: germline. Observed: 1 variant allele.
Comment: BS1

Blueprint Genetics
Classification: Uncertain significance. Last evaluated: 2024-08-28. Review status: criteria provided, single submitter. Criteria: ACMG Guidelines, 2015. Collection method: clinical testing. Allele origin: germline.

Athena Diagnostics
Classification: Likely benign. Last evaluated: 2024-05-09. Review status: criteria provided, single submitter. Criteria: Athena Diagnostics Criteria. Collection method: clinical testing. Allele origin: unknown.

Ambry Genetics
Classification: Likely benign for Inborn genetic diseases. Last evaluated: 2019-12-26. Review status: criteria provided, single submitter. Criteria: Ambry Variant Classification Scheme 2023. Collection method: clinical testing. Allele origin: germline.

Illumina Laboratory Services, Illumina
Classification: Uncertain significance for Charcot-Marie-Tooth disease type 4D. Last evaluated: 2017-04-27. Review status: criteria provided, single submitter. Criteria: ICSL Variant Classification Criteria 13 December 2019. Collection method: clinical testing. Allele origin: germline.

Molecular Genetics Laboratory, London Health Sciences Centre
Classification: Uncertain significance for Charcot-Marie-Tooth disease. Review status: criteria provided, single submitter. Criteria: ACMG Guidelines, 2015. Collection method: clinical testing. Allele origin: germline. Affected: yes.

Natera, Inc.
Classification: Uncertain significance for Charcot-Marie-Tooth disease type 4D. Last evaluated: 2019-11-11. Review status: no assertion criteria provided. Collection method: clinical testing. Allele origin: germline. Not counted in ClinVar's aggregate classification.

Literature cited by the submitters: PubMed 32376792 (cited by Mayo Clinic Laboratories, Mayo Clinic and Athena Diagnostics).